The following is an entry in ClinVar:

ClinVar aggregate classification (germline): Uncertain significance. Review status: criteria provided, multiple submitters, no conflicts (2 of 4 stars). 2 submissions from 2 submitters: Uncertain significance (2). Last evaluated 2026-03-13.

Conditions:
Inborn genetic diseases. Identifiers: MedGen C0950123, MeSH D030342.

gnomAD v4.1: 2 of 1,613,908 alleles (0.00012%); highest among the groups gnomAD compares: Non-Finnish European, 0.00017%; no homozygotes.

Submissions (2):

Ambry Genetics
Classification: Uncertain significance for Inborn genetic diseases. Last evaluated: 2026-03-13. Review status: criteria provided, single submitter. Criteria: Ambry Variant Classification Scheme 2023. Collection method: clinical testing. Allele origin: germline.
Comment: The p.V1493A variant (also known as c.4478T>C), located in coding exon 1 of the SAMD9 gene, results from a T to C substitution at nucleotide position 4478. The valine at codon 1493 is replaced by alanine, an amino acid with similar properties. This amino acid position is conserved. In addition, this alteration is predicted to be tolerated by in silico analysis. Based on the available evidence, the clinical significance of this variant remains unclear.

Labcorp Genetics (formerly Invitae), Labcorp
Classification: Uncertain significance. Last evaluated: 2025-07-30. Review status: criteria provided, single submitter. Criteria: Invitae Variant Classification Sherloc (09022015). Collection method: clinical testing. Allele origin: germline.
Comment: This sequence change replaces valine, which is neutral and non-polar, with alanine, which is neutral and non-polar, at codon 1493 of the SAMD9 protein (p.Val1493Ala). This variant is not present in population databases (gnomAD no frequency). This variant has not been reported in the literature in individuals affected with SAMD9-related conditions. Invitae Evidence Modeling of protein sequence and biophysical properties (such as structural, functional, and spatial information, amino acid conservation, physicochemical variation, residue mobility, and thermodynamic stability) has been performed for this missense variant. However, the output from this modeling did not meet the statistical confidence thresholds required to predict the impact of this variant on SAMD9 protein function. In summary, the available evidence is currently insufficient to determine the role of this variant in disease. Therefore, it has been classified as a Variant of Uncertain Significance.

NM_017654.4(SAMD9):c.4478T>C (p.Val1493Ala)

Gene: SAMD9 (sterile alpha motif domain containing 9; minus strand). Cytogenetic location: 7q21.2.
Variant type: single nucleotide variant.
Coding change: c.4478T>C on transcript NM_017654.4 (MANE Select); coding-DNA position 4478, T replaced by C.
Protein change: p.Val1493Ala; replaces valine 1493 with alanine.
Molecular consequence: missense variant.
Genome position (GRCh38, 1-based): chr7:93,101,620, A>G on the plus strand (T>C on the coding strand, the complement: SAMD9 is on the minus strand). VCF-style: chr7-93101620-A-G. GRCh37 (hg19) VCF-style: chr7-92730933-A-G.
Other names: c.4478T>C (NM_017654.3); c.4478T>C, p.Val1493Ala (NM_001193307.2); short protein forms V1493A.
Identifiers: ClinVar variation 4802470 (VCV004802470.2).